The following is an entry in ClinVar:

ClinVar aggregate classification (germline): Uncertain significance (1 of 4 stars; one submission).

Conditions:
Noonan syndrome 9 (NS9). Identifiers: Orphanet 648, MedGen C4225282, MONDO:0014691, OMIM 616559.

Allele frequency attached by ClinVar (database versions not stated): gnomAD exomes below 0.00001.
gnomAD v4.1: 2 of 1,050,172 alleles (0.00019%); highest among the groups gnomAD compares: South Asian, 0.0015%; no homozygotes.

Submission:

Labcorp Genetics (formerly Invitae), Labcorp
Classification: Uncertain significance for Noonan syndrome 9. Last evaluated: 2022-10-01. Review status: criteria provided, single submitter. Criteria: Invitae Variant Classification Sherloc (09022015). Collection method: clinical testing. Allele origin: germline.
Comment: This sequence change replaces glutamic acid, which is acidic and polar, with lysine, which is basic and polar, at codon 939 of the SOS2 protein (p.Glu939Lys). The frequency data for this variant in the population databases is considered unreliable, as metrics indicate poor data quality at this position in the gnomAD database. This variant has not been reported in the literature in individuals affected with SOS2-related conditions. Advanced modeling of protein sequence and biophysical properties (such as structural, functional, and spatial information, amino acid conservation, physicochemical variation, residue mobility, and thermodynamic stability) performed at Invitae indicates that this missense variant is expected to disrupt SOS2 protein function. In summary, the available evidence is currently insufficient to determine the role of this variant in disease. Therefore, it has been classified as a Variant of Uncertain Significance.

NM_006939.4(SOS2):c.2815G>A (p.Glu939Lys)

Gene: SOS2 (SOS Ras/Rho guanine nucleotide exchange factor 2; minus strand). Cytogenetic location: 14q21.3.
Variant type: single nucleotide variant.
Coding change: c.2815G>A on transcript NM_006939.4 (MANE Select); coding-DNA position 2815, G replaced by A.
Protein change: p.Glu939Lys; replaces glutamic acid 939 with lysine.
Molecular consequence: missense variant.
Genome position (GRCh38, 1-based): chr14:50,138,755, C>T on the plus strand (G>A on the coding strand, the complement: SOS2 is on the minus strand). VCF-style: chr14-50138755-C-T. GRCh37 (hg19) VCF-style: chr14-50605473-C-T.
Other names: c.2716G>A, p.Glu906Lys (NM_001411020.1); short protein forms E906K, E939K.
Identifiers: ClinVar variation 1720745 (VCV001720745.6), dbSNP rs1197202356, ClinGen allele CA389642514.